The following is an entry in ClinVar:

ClinVar aggregate classification (germline): Uncertain significance (1 of 4 stars; one submission).

Submission:

GeneDx
Classification: Uncertain significance. Last evaluated: 2024-11-22. Review status: criteria provided, single submitter. Criteria: GeneDx Variant Classification Process June 2021. Collection method: clinical testing. Allele origin: germline. Affected: yes.
Comment: Not observed at significant frequency in large population cohorts (gnomAD); In silico analysis indicates that this missense variant does not alter protein structure/function; Has not been previously published as pathogenic or benign to our knowledge

NM_001111125.3(IQSEC2):c.3853C>T (p.Pro1285Ser)

Gene: IQSEC2 (IQ motif and Sec7 domain ArfGEF 2; minus strand). Cytogenetic location: Xp11.22.
Variant type: single nucleotide variant.
Coding change: c.3853C>T on transcript NM_001111125.3 (MANE Select); coding-DNA position 3853, C replaced by T.
Protein change: p.Pro1285Ser; replaces proline 1285 with serine.
Molecular consequence: missense variant. On other transcripts: 3 prime UTR variant (2).
Genome position (GRCh38, 1-based): chrX:53,234,833, G>A on the plus strand (C>T on the coding strand, the complement: IQSEC2 is on the minus strand). VCF-style: chrX-53234833-G-A. GRCh37 (hg19) VCF-style: chrX-53264015-G-A.
Other names: c.*338C>T (NM_001410736.1, NM_015075.2); short protein forms P1285S.
Identifiers: ClinVar variation 3900540 (VCV003900540.1).